The following is an entry in ClinVar:

ClinVar aggregate classification (germline): Benign/Likely benign. Review status: criteria provided, multiple submitters, no conflicts (2 of 4 stars). 3 submissions from 3 submitters: Benign (1); Likely benign (2). Last evaluated 2026-01-19.

Conditions:
Developmental and epileptic encephalopathy, 32 (DEE32). Also called: Epileptic encephalopathy, early infantile, 32. Identifiers: Orphanet 442835, MedGen C4225350, MONDO:0014607, OMIM 616366.

Allele frequency attached by ClinVar (database versions not stated): gnomAD 0.00001 and 0.00004; TOPMed 0.00002; 1000 Genomes Project 0.00040; 1000 Genomes Project 30x 0.00062.
gnomAD v4.1: 198 of 1,614,184 alleles (0.012%); highest among the groups gnomAD compares: South Asian, 0.13%; 2 homozygotes.

Submissions (3):

Labcorp Genetics (formerly Invitae), Labcorp
Classification: Benign for Developmental and epileptic encephalopathy, 32. Last evaluated: 2026-01-19. Review status: criteria provided, single submitter. Criteria: Invitae Variant Classification Sherloc (09022015). Collection method: clinical testing. Allele origin: germline.

Blueprint Genetics
Classification: Likely benign. Last evaluated: 2024-11-13. Review status: criteria provided, single submitter. Criteria: ACMG Guidelines, 2015. Collection method: clinical testing. Allele origin: germline.

CeGaT Center for Human Genetics Tuebingen
Classification: Likely benign. Last evaluated: 2023-12-01. Review status: criteria provided, single submitter. Criteria: CeGaT Center For Human Genetics Tuebingen Variant Classification Criteria Version 2. Collection method: clinical testing. Allele origin: germline. Affected: yes. Observed: 4 variant alleles.
Comment: KCNA2: BP4, BP7, BS1

NM_004974.4(KCNA2):c.891G>T (p.Arg297=)

Gene: KCNA2 (potassium voltage-gated channel subfamily A member 2; minus strand). Cytogenetic location: 1p13.3.
Variant type: single nucleotide variant.
Coding change: c.891G>T on transcript NM_004974.4 (MANE Select); coding-DNA position 891, G replaced by T.
Protein change: p.Arg297=; no amino-acid change (arginine 297 retained).
Molecular consequence: synonymous variant.
Genome position (GRCh38, 1-based): chr1:110,603,892, C>A on the plus strand (G>T on the coding strand, the complement: KCNA2 is on the minus strand). VCF-style: chr1-110603892-C-A. GRCh37 (hg19) VCF-style: chr1-111146514-C-A.
Other names: c.891G>T, p.Arg297= (NM_001204269.2).
Identifiers: ClinVar variation 749458 (VCV000749458.36), dbSNP rs538914802, ClinGen allele CA1000672.